The following is an entry in ClinVar:

NM_001004334.4(GPR179):c.5482G>A (p.Gly1828Arg)

Gene: GPR179 (G protein-coupled receptor 179; minus strand). Cytogenetic location: 17q12.
Variant type: single nucleotide variant.
Coding change: c.5482G>A on transcript NM_001004334.4 (MANE Select); coding-DNA position 5482, G replaced by A.
Protein change: p.Gly1828Arg; replaces glycine 1828 with arginine.
Molecular consequence: missense variant.
Genome position (GRCh38, 1-based): chr17:38,328,087, C>T on the plus strand (G>A on the coding strand, the complement: GPR179 is on the minus strand). VCF-style: chr17-38328087-C-T. GRCh37 (hg19) VCF-style: chr17-36483970-C-T.
Other names: short protein forms G1828R.
Identifiers: ClinVar variation 1009359 (VCV001009359.8), dbSNP rs1245093177, ClinGen allele CA398871749.

ClinVar aggregate classification (germline): Uncertain significance (1 of 4 stars; one submission).

Allele frequency attached by ClinVar (database versions not stated): gnomAD below 0.00001 and 0.00001.
gnomAD v4.1: 9 of 1,614,040 alleles (0.00056%); highest among the groups gnomAD compares: South Asian, 0.0055%; no homozygotes.

Submission:

Labcorp Genetics (formerly Invitae), Labcorp
Classification: Uncertain significance. Last evaluated: 2022-06-09. Review status: criteria provided, single submitter. Criteria: Invitae Variant Classification Sherloc (09022015). Collection method: clinical testing. Allele origin: germline.
Comment: In summary, the available evidence is currently insufficient to determine the role of this variant in disease. Therefore, it has been classified as a Variant of Uncertain Significance. Algorithms developed to predict the effect of missense changes on protein structure and function output the following: SIFT: "Deleterious"; PolyPhen-2: "Benign"; Align-GVGD: "Class C0". The arginine amino acid residue is found in multiple mammalian species, which suggests that this missense change does not adversely affect protein function. ClinVar contains an entry for this variant (Variation ID: 1009359). This variant has not been reported in the literature in individuals affected with GPR179-related conditions. This variant is present in population databases (no rsID available, gnomAD 0.01%). This sequence change replaces glycine, which is neutral and non-polar, with arginine, which is basic and polar, at codon 1828 of the GPR179 protein (p.Gly1828Arg).